The following is an entry in ClinVar:

NM_002397.5(MEF2C):c.332_333del (p.Pro111fs)

Gene: MEF2C (myocyte enhancer factor 2C; minus strand). Cytogenetic location: 5q14.3.
Variant type: Deletion.
Coding change: c.332_333del on transcript NM_002397.5 (MANE Select); coding-DNA positions 332 to 333, 2 bases deleted (CT; older notation c.332_333delCT).
Protein change: p.Pro111fs; shifts the reading frame from proline 111.
Molecular consequence: frameshift variant. On other transcripts: 5 prime UTR variant (2), intron variant (12).
Genome position (GRCh38, 1-based): chr5:88,761,254-88,761,255, AG deleted on the plus strand (CT on the coding strand, the reverse complement: MEF2C is on the minus strand). VCF-style (leftmost placement, unchanged base first): chr5-88761253-CAG-C. GRCh37 (hg19) VCF-style: chr5-88057070-CAG-C.
Other names: c.332_333del, p.Pro111fs (NM_001193350.2, NM_001308002.3, NM_001363581.2 and 18 more transcripts); c.-47_-46del (NM_001364353.2, NM_001364356.2); c.259-9212_259-9211del (NM_001364344.2, NM_001364354.2, NM_001364332.2 and 3 more transcripts); c.259-130_259-129del (NM_001131005.2, NM_001364352.2, NM_001364343.2); c.318+14_318+15del (NM_001193347.1, NM_001364338.2); c.-24-9212_-24-9211del (NM_001364357.2); short protein forms P111fs.
Identifiers: ClinVar variation 4724676 (VCV004724676.1).

ClinVar aggregate classification (germline): Pathogenic (1 of 4 stars; one submission).

Conditions:
Neurodevelopmental disorder with hypotonia, stereotypic hand movements, and impaired language. Also called: Intellectual disability, autosomal dominant 20. Identifiers: Orphanet 228384, Orphanet 664410, MedGen C3150700, MONDO:0013266, OMIM 613443.

Submission:

Labcorp Genetics (formerly Invitae), Labcorp
Classification: Pathogenic for Neurodevelopmental disorder with hypotonia, stereotypic hand movements, and impaired language. Last evaluated: 2025-08-03. Review status: criteria provided, single submitter. Criteria: Invitae Variant Classification Sherloc (09022015). Collection method: clinical testing. Allele origin: germline.
Comment: This sequence change creates a premature translational stop signal (p.Pro111Argfs*3) in the MEF2C gene. It is expected to result in an absent or disrupted protein product. Loss-of-function variants in MEF2C are known to be pathogenic (PMID: 20513142). This variant is not present in population databases (gnomAD no frequency). This variant has not been reported in the literature in individuals affected with MEF2C-related conditions. For these reasons, this variant has been classified as Pathogenic.

Literature cited by the submitters: PubMed 20513142.